The following is an entry in ClinVar:

ClinVar aggregate classification (germline): Benign/Likely benign. Review status: criteria provided, multiple submitters, no conflicts (2 of 4 stars). 7 submissions from 7 submitters: Benign (1); Likely benign (5). 1 of the submissions does not count toward it. Last evaluated 2026-01-22.

Conditions:
Idiopathic Pulmonary Fibrosis. Also called: Idiopathic fibrosing alveolitis, chronic form; idiopathic fibrosing alveolitis. Identifiers: Orphanet 2032, MedGen C1800706, MeSH D054990, MONDO:0800504.
Dyskeratosis congenita, autosomal dominant 2. Identifiers: MedGen C3151443, MONDO:0013521, OMIM 613989.
TERT-related disorder. Also called: TERT-related disorders; TERT-related condition.
Dyskeratosis congenita. Identifiers: Orphanet 1775, MedGen C0265965, MONDO:0015780.
Melanoma, cutaneous malignant, susceptibility to, 9. Also called: Cutaneous malignant melanoma 9. Identifiers: Orphanet 618, MedGen C3554574, MONDO:0014056, OMIM 615134.

Allele frequency attached by ClinVar (database versions not stated): ExAC 0.00004; gnomAD exomes 0.00004; gnomAD 0.00011; 1000 Genomes Project 0.00020; 1000 Genomes Project 30x 0.00031; TOPMed 0.00036.
gnomAD v4.1: 47 of 1,612,720 alleles (0.0029%); highest among the groups gnomAD compares: Admixed American, 0.028%; no homozygotes.

Submissions (7):

Labcorp Genetics (formerly Invitae), Labcorp
Classification: Likely benign for Dyskeratosis congenita, autosomal dominant 2; Idiopathic Pulmonary Fibrosis. Last evaluated: 2026-01-22. Review status: criteria provided, single submitter. Criteria: Invitae Variant Classification Sherloc (09022015). Collection method: clinical testing. Allele origin: germline.

KCCC/NGS Laboratory, Kuwait Cancer Control Center
Classification: Benign for Melanoma, cutaneous malignant, susceptibility to, 9. Last evaluated: 2025-02-01. Review status: criteria provided, single submitter. Criteria: ACMG Guidelines, 2015. Collection method: clinical testing. Allele origin: germline. Affected: no.

Ambry Genetics
Classification: Likely benign for Dyskeratosis congenita. Last evaluated: 2022-03-31. Review status: criteria provided, single submitter. Criteria: Ambry Variant Classification Scheme 2023. Collection method: clinical testing. Allele origin: germline.

Sema4
Classification: Likely benign for Dyskeratosis congenita. Last evaluated: 2021-11-08. Review status: criteria provided, single submitter. Criteria: Sema4 Curation Guidelines. Collection method: curation. Allele origin: germline.

Genetic Services Laboratory, University of Chicago
Classification: Likely benign. Last evaluated: 2017-08-09. Review status: criteria provided, single submitter. Criteria: ACMG Guidelines, 2015. Collection method: clinical testing. Allele origin: germline. Affected: no.

Breakthrough Genomics
Classification: Likely benign. Review status: criteria provided, single submitter. Criteria: ACMG Guidelines, 2015. Collection method: not provided. Allele origin: germline. Inheritance: Autosomal recessive inheritance. Affected: yes.

PreventionGenetics, part of Exact Sciences
Classification: Likely benign for TERT-related condition. Last evaluated: 2019-09-13. Review status: no assertion criteria provided. Collection method: clinical testing. Allele origin: germline. Not counted in ClinVar's aggregate classification.
Comment: This variant is classified as likely benign based on ACMG/AMP sequence variant interpretation guidelines (Richards et al. 2015 PMID: 25741868, with internal and published modifications).

NM_198253.3(TERT):c.3186C>T (p.Ala1062=)

Gene: TERT (telomerase reverse transcriptase; minus strand). Cytogenetic location: 5p15.33.
Variant type: single nucleotide variant.
Coding change: c.3186C>T on transcript NM_198253.3 (MANE Select); coding-DNA position 3186, C replaced by T.
Protein change: p.Ala1062=; no amino-acid change (alanine 1062 retained).
Molecular consequence: synonymous variant. On other transcripts: non-coding transcript variant (2).
Genome position (GRCh38, 1-based): chr5:1,254,477, G>A on the plus strand (C>T on the coding strand, the complement: TERT is on the minus strand). VCF-style: chr5-1254477-G-A. GRCh37 (hg19) VCF-style: chr5-1254592-G-A.
Other names: c.2997C>T, p.Ala999= (NM_001193376.3).
Identifiers: ClinVar variation 471885 (VCV000471885.22), dbSNP rs201067706, ClinGen allele CA3184250.